The following is an entry in ClinVar:

NM_000836.4(GRIN2D):c.3902C>T (p.Ala1301Val)

Gene: GRIN2D (glutamate ionotropic receptor NMDA type subunit 2D; plus strand). Cytogenetic location: 19q13.33.
Variant type: single nucleotide variant.
Coding change: c.3902C>T on transcript NM_000836.4 (MANE Select); coding-DNA position 3902, C replaced by T.
Protein change: p.Ala1301Val; replaces alanine 1301 with valine.
Molecular consequence: missense variant.
Genome position (GRCh38, 1-based): chr19:48,443,828, C>T. VCF-style: chr19-48443828-C-T. GRCh37 (hg19) VCF-style: chr19-48947085-C-T.
Other names: short protein forms A1301V.
Identifiers: ClinVar variation 2087411 (VCV002087411.4), dbSNP rs2513694370, ClinGen allele CA406678893.

ClinVar aggregate classification (germline): Uncertain significance (1 of 4 stars; one submission).

Submission:

Labcorp Genetics (formerly Invitae), Labcorp
Classification: Uncertain significance. Last evaluated: 2022-01-17. Review status: criteria provided, single submitter. Criteria: Invitae Variant Classification Sherloc (09022015). Collection method: clinical testing. Allele origin: germline.
Comment: In summary, the available evidence is currently insufficient to determine the role of this variant in disease. Therefore, it has been classified as a Variant of Uncertain Significance. Advanced modeling of protein sequence and biophysical properties (such as structural, functional, and spatial information, amino acid conservation, physicochemical variation, residue mobility, and thermodynamic stability) performed at Invitae indicates that this missense variant is not expected to disrupt GRIN2D protein function. This variant has not been reported in the literature in individuals affected with GRIN2D-related conditions. This variant is not present in population databases (gnomAD no frequency). This sequence change replaces alanine, which is neutral and non-polar, with valine, which is neutral and non-polar, at codon 1301 of the GRIN2D protein (p.Ala1301Val).